The following is an entry in ClinVar:

ClinVar aggregate classification (germline): Uncertain significance (1 of 4 stars; one submission).

Conditions:
GLIS3-related disorder. Also called: GLIS3-related condition.

gnomAD v4.1: 3 of 1,614,096 alleles (0.00019%); highest among the groups gnomAD compares: Admixed American, 0.0033%; no homozygotes.

Submission:

PreventionGenetics, part of Exact Sciences
Classification: Uncertain significance for GLIS3-related condition. Last evaluated: 2026-05-09. Review status: criteria provided, single submitter. Criteria: ACMG Guidelines, 2015. Collection method: clinical testing. Allele origin: germline.
Comment: The GLIS3 c.760C>T variant is predicted to result in the amino acid substitution p.Leu254Phe. To our knowledge, this variant has not been reported in the literature. This variant is reported in 0.0058% of alleles in individuals of Latino descent in gnomAD. At this time, the clinical significance of this variant is uncertain due to the absence of conclusive functional and genetic evidence.

NM_001042413.2(GLIS3):c.760C>T (p.Leu254Phe)

Gene: GLIS3 (GLIS family zinc finger 3; minus strand). Cytogenetic location: 9p24.2.
Variant type: single nucleotide variant.
Coding change: c.760C>T on transcript NM_001042413.2 (MANE Select); coding-DNA position 760, C replaced by T.
Protein change: p.Leu254Phe; replaces leucine 254 with phenylalanine.
Molecular consequence: missense variant.
Genome position (GRCh38, 1-based): chr9:4,118,718, G>A on the plus strand (C>T on the coding strand, the complement: GLIS3 is on the minus strand). VCF-style: chr9-4118718-G-A. GRCh37 (hg19) VCF-style: chr9-4118718-G-A.
Other names: c.760C>T, p.Leu254Phe (NM_001438906.1, NM_001438907.1, NM_001438908.1 and 2 more transcripts); c.295C>T, p.Leu99Phe (NM_001438909.1, NM_001438915.1, NM_152629.4); c.94C>T, p.Leu32Phe (NM_001438911.1, NM_001438912.1, NM_001438916.1); short protein forms L254F, L32F, L99F.
Identifiers: ClinVar variation 4984194 (VCV004984194.1).
Genomic context (GRCh38, chr9:4,118,718, plus strand): 5'-AAAGGTAGGATGGTAATGAGTTAGAGACACTATTGCTGGACATGGATGTCCCGGGAGGAA[G>A]GCTAAGGAGATCCCCTAGATCAAGGCCATTCTGAGAGCCGTGGTTGGAGAGCGAAGGGAG-3'
Protein context (NP_001035878.1, residues 244-264): NGLDLGDLLS[Leu254Phe]PPGTSMSSNS